The following is an entry in ClinVar:

ClinVar aggregate classification (germline): Uncertain significance. Review status: criteria provided, multiple submitters, no conflicts (2 of 4 stars). 2 submissions from 2 submitters: Uncertain significance (2). Last evaluated 2024-04-24.

Conditions:
Hereditary pancreatitis (PCTT). Also called: PRSS1-Related Hereditary Pancreatitis; Hereditary chronic pancreatitis. Identifiers: Orphanet 676, MedGen C0238339, MONDO:0008185, OMIM 167800.

Submissions (2):

Ambry Genetics
Classification: Uncertain significance for Hereditary pancreatitis. Last evaluated: 2024-04-24. Review status: criteria provided, single submitter. Criteria: Ambry Variant Classification Scheme 2023. Collection method: clinical testing. Allele origin: germline.
Comment: The p.W43C variant (also known as c.129G>T), located in coding exon 2 of the CTRC gene, results from a G to T substitution at nucleotide position 129. The tryptophan at codon 43 is replaced by cysteine, an amino acid with highly dissimilar properties. This amino acid position is conserved. In addition, this alteration is predicted to be deleterious by in silico analysis. Based on the available evidence, the clinical significance of this variant remains unclear.

MGZ Medical Genetics Center
Classification: Uncertain significance for Hereditary pancreatitis. Last evaluated: 2022-05-20. Review status: criteria provided, single submitter. Criteria: ACMG Guidelines, 2015. Collection method: clinical testing. Allele origin: germline. Affected: yes. Observed: 1 variant allele.
Comment: ACMG criteria applied: PM2_SUP, PP3

NM_007272.3(CTRC):c.129G>T (p.Trp43Cys)

Gene: CTRC (chymotrypsin C; plus strand). Cytogenetic location: 1p36.21.
Variant type: single nucleotide variant.
Coding change: c.129G>T on transcript NM_007272.3 (MANE Select); coding-DNA position 129, G replaced by T.
Protein change: p.Trp43Cys; replaces tryptophan 43 with cysteine.
Molecular consequence: missense variant.
Genome position (GRCh38, 1-based): chr1:15,440,388, G>T. VCF-style: chr1-15440388-G-T. GRCh37 (hg19) VCF-style: chr1-15766884-G-T.
Other names: c.129G>T (NM_007272.2); short protein forms W43C.
Identifiers: ClinVar variation 1709448 (VCV001709448.3), dbSNP rs2526289681, ClinGen allele CA338564804.